The following is an entry in ClinVar:

NM_001042545.2(LTBP4):c.1165C>T (p.Arg389Trp)

Gene: LTBP4 (latent transforming growth factor beta binding protein 4; plus strand). Cytogenetic location: 19q13.2.
Variant type: single nucleotide variant.
Coding change: c.1165C>T on transcript NM_001042545.2 (MANE Select); coding-DNA position 1165, C replaced by T.
Protein change: p.Arg389Trp; replaces arginine 389 with tryptophan.
Molecular consequence: missense variant.
Genome position (GRCh38, 1-based): chr19:40,608,228, C>T. VCF-style: chr19-40608228-C-T. GRCh37 (hg19) VCF-style: chr19-41114134-C-T.
Other names: c.1366C>T, p.Arg456Trp (NM_001042544.1); c.1255C>T, p.Arg419Trp (NM_003573.2); short protein forms R419W, R389W, R456W.
Identifiers: ClinVar variation 1420658 (VCV001420658.6), dbSNP rs769052818, ClinGen allele CA9448213.

ClinVar aggregate classification (germline): Uncertain significance. Review status: criteria provided, multiple submitters, no conflicts (2 of 4 stars). 3 submissions from 3 submitters: Uncertain significance (3). Last evaluated 2025-07-11.

Conditions:
Inborn genetic diseases. Identifiers: MedGen C0950123, MeSH D030342.

Allele frequency attached by ClinVar (database versions not stated): gnomAD 0.00008 and 0.00009; TOPMed 0.00009; gnomAD exomes 0.00010; ExAC 0.00011.
gnomAD v4.1: 96 of 1,613,842 alleles (0.0059%); highest among the groups gnomAD compares: African/African-American, 0.035%; no homozygotes.

Submissions (3):

GeneDx
Classification: Uncertain significance. Last evaluated: 2025-07-11. Review status: criteria provided, single submitter. Criteria: GeneDx Variant Classification Process June 2021. Collection method: clinical testing. Allele origin: germline. Affected: yes.
Comment: In silico analysis supports that this missense variant has a deleterious effect on protein structure/function; Has not been previously published as pathogenic or benign to our knowledge

Ambry Genetics
Classification: Uncertain significance for Inborn genetic diseases. Last evaluated: 2024-09-03. Review status: criteria provided, single submitter. Criteria: Ambry Variant Classification Scheme 2023. Collection method: clinical testing. Allele origin: germline.

Labcorp Genetics (formerly Invitae), Labcorp
Classification: Uncertain significance. Last evaluated: 2022-07-19. Review status: criteria provided, single submitter. Criteria: Invitae Variant Classification Sherloc (09022015). Collection method: clinical testing. Allele origin: germline.
Comment: This sequence change replaces arginine, which is basic and polar, with tryptophan, which is neutral and slightly polar, at codon 419 of the LTBP4 protein (p.Arg419Trp). This variant is present in population databases (rs769052818, gnomAD 0.02%). This variant has not been reported in the literature in individuals affected with LTBP4-related conditions. ClinVar contains an entry for this variant (Variation ID: 1420658). Experimental studies and prediction algorithms are not available or were not evaluated, and the functional significance of this variant is currently unknown. In summary, the available evidence is currently insufficient to determine the role of this variant in disease. Therefore, it has been classified as a Variant of Uncertain Significance.